The following is an entry in ClinVar:

NM_004360.5(CDH1):c.787A>T (p.Thr263Ser)

Gene: CDH1 (cadherin 1; plus strand). Cytogenetic location: 16q22.1.
Variant type: single nucleotide variant.
Coding change: c.787A>T on transcript NM_004360.5 (MANE Select); coding-DNA position 787, A replaced by T.
Protein change: p.Thr263Ser; replaces threonine 263 with serine.
Molecular consequence: missense variant. On other transcripts: 5 prime UTR variant (2).
Genome position (GRCh38, 1-based): chr16:68,810,296, A>T. VCF-style: chr16-68810296-A-T. GRCh37 (hg19) VCF-style: chr16-68844199-A-T.
Other names: c.787A>T (LRG_301t1); c.787A>T, p.Thr263Ser (NM_001317184.2); c.-829A>T (NM_001317185.2); c.-1033A>T (NM_001317186.2); short protein forms T263S.
Identifiers: ClinVar variation 481689 (VCV000481689.14), dbSNP rs1555515453, ClinGen allele CA396458753.

ClinVar aggregate classification (germline): Conflicting classifications of pathogenicity. Review status: criteria provided, conflicting classifications (1 of 4 stars). 2 submissions from 2 submitters: Uncertain significance (1); Likely benign (1). Last evaluated 2026-07-06.

Conditions:
Hereditary cancer-predisposing syndrome. Also called: Neoplastic Syndromes, Hereditary; Hereditary neoplastic syndrome; Hereditary Cancer Syndrome; Tumor predisposition. Identifiers: Orphanet 140162, MedGen C0027672, MeSH D009386, MONDO:0015356.
Hereditary diffuse gastric adenocarcinoma (HDGC). Also called: DIFFUSE GASTRIC AND LOBULAR BREAST CANCER SYNDROME. Identifiers: Orphanet 26106, MedGen C1708349, MONDO:0007648, OMIM 137215.

Allele frequency attached by ClinVar (database versions not stated): gnomAD exomes below 0.00001.
gnomAD v4.1: 2 of 1,614,116 alleles (0.00012%); highest among the groups gnomAD compares: Non-Finnish European, 0.00017%; no homozygotes.

Submissions (2):

Ambry Genetics
Classification: Likely benign for Hereditary cancer-predisposing syndrome. Last evaluated: 2026-07-06. Review status: criteria provided, single submitter. Criteria: Ambry Variant Classification Scheme 2023. Collection method: clinical testing. Allele origin: germline.

Labcorp Genetics (formerly Invitae), Labcorp
Classification: Uncertain significance for Hereditary diffuse gastric adenocarcinoma. Last evaluated: 2022-02-11. Review status: criteria provided, single submitter. Criteria: Invitae Variant Classification Sherloc (09022015). Collection method: clinical testing. Allele origin: germline.
Comment: This variant is not present in population databases (gnomAD no frequency). In summary, the available evidence is currently insufficient to determine the role of this variant in disease. Therefore, it has been classified as a Variant of Uncertain Significance. Algorithms developed to predict the effect of missense changes on protein structure and function are either unavailable or do not agree on the potential impact of this missense change (SIFT: "Tolerated"; PolyPhen-2: "Possibly Damaging"; Align-GVGD: "Class C0"). ClinVar contains an entry for this variant (Variation ID: 481689). This variant has not been reported in the literature in individuals affected with CDH1-related conditions. This sequence change replaces threonine, which is neutral and polar, with serine, which is neutral and polar, at codon 263 of the CDH1 protein (p.Thr263Ser).